The following is an entry in ClinVar:

NM_006949.4(STXBP2):c.1298C>T (p.Ala433Val)

Gene: STXBP2 (syntaxin binding protein 2; plus strand). Cytogenetic location: 19p13.2.
Variant type: single nucleotide variant.
Coding change: c.1298C>T on transcript NM_006949.4 (MANE Select); coding-DNA position 1298, C replaced by T.
Protein change: p.Ala433Val; replaces alanine 433 with valine.
Molecular consequence: missense variant. On other transcripts: non-coding transcript variant (1).
Genome position (GRCh38, 1-based): chr19:7,645,248, C>T. VCF-style: chr19-7645248-C-T. GRCh37 (hg19) VCF-style: chr19-7710134-C-T.
Other names: c.1289C>T, p.Ala430Val (NM_001127396.3); c.1331C>T, p.Ala444Val (NM_001272034.2); short protein forms A433V, A444V, A430V.
Identifiers: ClinVar variation 194525 (VCV000194525.56), dbSNP rs141309384, ClinGen allele CA201217.

ClinVar aggregate classification (germline): Benign/Likely benign. Review status: criteria provided, multiple submitters, no conflicts (2 of 4 stars). 11 submissions from 11 submitters: Benign (4); Likely benign (7). Last evaluated 2026-06-01.

Conditions:
Autoinflammatory syndrome. Identifiers: Orphanet 93665, MedGen C3890737, MONDO:0019751.
Familial hemophagocytic lymphohistiocytosis 5. Also called: STXBP2-Related Familial Hemophagocytic Lymphohistiocytosis (STXBP2-fHLH). Identifiers: Orphanet 540, MedGen C2751293, MONDO:0013135, OMIM 613101.

Allele frequency attached by ClinVar (database versions not stated): 1000 Genomes Project 0.00579; 1000 Genomes Project 30x 0.00671; gnomAD exomes 0.00826; TOPMed 0.00828; ESP Exome Variant Server 0.00848; gnomAD 0.00866.
gnomAD v4.1: 17,462 of 1,582,430 alleles (1.1%); highest among the groups gnomAD compares: Middle Eastern, 2.3%; 129 homozygotes.

Submissions (35):

CeGaT Center for Human Genetics Tuebingen
Classification: Benign. Last evaluated: 2026-06-01. Review status: criteria provided, single submitter. Criteria: CeGaT Center For Human Genetics Tuebingen Variant Classification Criteria Version 2. Collection method: clinical testing. Allele origin: germline. Affected: yes. Observed: 7 variant alleles.
Comment: STXBP2: BP4, BS1, BS2

Labcorp Genetics (formerly Invitae), Labcorp
Classification: Benign for Familial hemophagocytic lymphohistiocytosis 5. Last evaluated: 2026-02-04. Review status: criteria provided, single submitter. Criteria: Invitae Variant Classification Sherloc (09022015). Collection method: clinical testing. Allele origin: germline.

Blueprint Genetics
Classification: Likely benign. Last evaluated: 2024-11-27. Review status: criteria provided, single submitter. Criteria: ACMG Guidelines, 2015. Collection method: clinical testing. Allele origin: germline.

Mayo Clinic Laboratories, Mayo Clinic
Classification: Likely benign. Last evaluated: 2023-12-28. Review status: criteria provided, single submitter. Criteria: ACMG Guidelines, 2015. Collection method: clinical testing. Allele origin: germline. Observed: 33 variant alleles.
Comment: BS1, BS2, BP4, PM1_supporting

Genome Diagnostics Laboratory, The Hospital for Sick Children
Classification: Likely benign for Autoinflammatory syndrome. Last evaluated: 2022-04-04. Review status: criteria provided, single submitter. Criteria: ACMG Guidelines, 2015. Collection method: clinical testing. Allele origin: germline. Affected: yes.

Mendelics
Classification: Benign for Familial hemophagocytic lymphohistiocytosis 5. Last evaluated: 2019-05-28. Review status: criteria provided, single submitter. Criteria: Mendelics Assertion Criteria 2017. Collection method: clinical testing. Allele origin: unknown.

Genetic Services Laboratory, University of Chicago
Classification: Likely benign. Last evaluated: 2017-02-14. Review status: criteria provided, single submitter. Criteria: ACMG Guidelines, 2015. Collection method: clinical testing. Allele origin: germline. Affected: no.

Laboratory for Molecular Medicine, Mass General Brigham Personalized Medicine
Classification: Likely benign. Last evaluated: 2016-03-29. Review status: criteria provided, single submitter. Criteria: LMM Criteria. Collection method: clinical testing. Allele origin: germline.
Comment: Variant identified in a genome or exome case(s) and assessed due to predicted null impact of the variant or pathogenic assertions in the literature or databases. Disclaimer: This variant has not undergone full assessment. The following are preliminary notes: 1.6% of total chromosomes in ExAC, 2.7% (44/1612) of Latino chromosomes

Eurofins Ntd Llc (ga)
Classification: Benign. Last evaluated: 2015-05-05. Review status: criteria provided, single submitter. Criteria: EGL Classification Definitions 2015. Collection method: clinical testing. Allele origin: germline. Observed: 1 variant allele, 1 heterozygote.

Breakthrough Genomics
Classification: Likely benign. Review status: criteria provided, single submitter. Criteria: ACMG Guidelines, 2015. Collection method: not provided. Allele origin: germline. Inheritance: Autosomal recessive inheritance. Affected: yes.

PreventionGenetics, part of Exact Sciences
Classification: Likely benign. Review status: criteria provided, single submitter. Criteria: ACMG Guidelines, 2015. Collection method: clinical testing. Allele origin: germline.

Dr. Peter K. Rogan Lab, Western University
No classification provided (evidence only). Condition: Lung cancer. Review status: no classification provided. Collection method: in vitro. Allele origin: not applicable. Functional consequence: retained intron. Not counted in ClinVar's aggregate classification.

Dr. Peter K. Rogan Lab, Western University
No classification provided (evidence only). Condition: Lung cancer. Review status: no classification provided. Collection method: in vitro. Allele origin: not applicable. Functional consequence: retained intron. Not counted in ClinVar's aggregate classification.

Dr. Peter K. Rogan Lab, Western University
No classification provided (evidence only). Condition: Acute myeloid leukemia. Review status: no classification provided. Collection method: in vitro. Allele origin: not applicable. Functional consequence: retained intron. Not counted in ClinVar's aggregate classification.

Dr. Peter K. Rogan Lab, Western University
No classification provided (evidence only). Condition: Thyroid cancer, nonmedullary, 1. Review status: no classification provided. Collection method: in vitro. Allele origin: not applicable. Functional consequence: retained intron. Not counted in ClinVar's aggregate classification.

Dr. Peter K. Rogan Lab, Western University
No classification provided (evidence only). Condition: Cervical cancer. Review status: no classification provided. Collection method: in vitro. Allele origin: not applicable. Functional consequence: retained intron. Not counted in ClinVar's aggregate classification.

Dr. Peter K. Rogan Lab, Western University
No classification provided (evidence only). Condition: Cervical cancer. Review status: no classification provided. Collection method: in vitro. Allele origin: not applicable. Functional consequence: retained intron. Not counted in ClinVar's aggregate classification.

Dr. Peter K. Rogan Lab, Western University
No classification provided (evidence only). Condition: Thymoma. Review status: no classification provided. Collection method: in vitro. Allele origin: not applicable. Functional consequence: retained intron. Not counted in ClinVar's aggregate classification.

Dr. Peter K. Rogan Lab, Western University
No classification provided (evidence only). Condition: Ovarian serous cystadenocarcinoma. Review status: no classification provided. Collection method: in vitro. Allele origin: not applicable. Functional consequence: retained intron. Not counted in ClinVar's aggregate classification.

Dr. Peter K. Rogan Lab, Western University
No classification provided (evidence only). Condition: Ovarian serous cystadenocarcinoma. Review status: no classification provided. Collection method: in vitro. Allele origin: not applicable. Functional consequence: retained intron. Not counted in ClinVar's aggregate classification.

Dr. Peter K. Rogan Lab, Western University
No classification provided (evidence only). Condition: Ovarian serous cystadenocarcinoma. Review status: no classification provided. Collection method: in vitro. Allele origin: not applicable. Functional consequence: retained intron. Not counted in ClinVar's aggregate classification.

Dr. Peter K. Rogan Lab, Western University
No classification provided (evidence only). Condition: Ovarian serous cystadenocarcinoma. Review status: no classification provided. Collection method: in vitro. Allele origin: not applicable. Functional consequence: retained intron. Not counted in ClinVar's aggregate classification.

Dr. Peter K. Rogan Lab, Western University
No classification provided (evidence only). Condition: Ovarian serous cystadenocarcinoma. Review status: no classification provided. Collection method: in vitro. Allele origin: not applicable. Functional consequence: retained intron. Not counted in ClinVar's aggregate classification.

Dr. Peter K. Rogan Lab, Western University
No classification provided (evidence only). Condition: Ovarian serous cystadenocarcinoma. Review status: no classification provided. Collection method: in vitro. Allele origin: not applicable. Functional consequence: retained intron. Not counted in ClinVar's aggregate classification.

Dr. Peter K. Rogan Lab, Western University
No classification provided (evidence only). Condition: Ovarian serous cystadenocarcinoma. Review status: no classification provided. Collection method: in vitro. Allele origin: not applicable. Functional consequence: retained intron. Not counted in ClinVar's aggregate classification.

Dr. Peter K. Rogan Lab, Western University
No classification provided (evidence only). Condition: Ovarian serous cystadenocarcinoma. Review status: no classification provided. Collection method: in vitro. Allele origin: not applicable. Functional consequence: retained intron. Not counted in ClinVar's aggregate classification.

Dr. Peter K. Rogan Lab, Western University
No classification provided (evidence only). Condition: Ovarian serous cystadenocarcinoma. Review status: no classification provided. Collection method: in vitro. Allele origin: not applicable. Functional consequence: retained intron. Not counted in ClinVar's aggregate classification.

Dr. Peter K. Rogan Lab, Western University
No classification provided (evidence only). Condition: Ovarian serous cystadenocarcinoma. Review status: no classification provided. Collection method: in vitro. Allele origin: not applicable. Functional consequence: retained intron. Not counted in ClinVar's aggregate classification.

Dr. Peter K. Rogan Lab, Western University
No classification provided (evidence only). Condition: Ovarian serous cystadenocarcinoma. Review status: no classification provided. Collection method: in vitro. Allele origin: not applicable. Functional consequence: retained intron. Not counted in ClinVar's aggregate classification.

Dr. Peter K. Rogan Lab, Western University
No classification provided (evidence only). Condition: Ovarian serous cystadenocarcinoma. Review status: no classification provided. Collection method: in vitro. Allele origin: not applicable. Functional consequence: retained intron. Not counted in ClinVar's aggregate classification.

Dr. Peter K. Rogan Lab, Western University
No classification provided (evidence only). Condition: Gastric cancer. Review status: no classification provided. Collection method: in vitro. Allele origin: not applicable. Functional consequence: retained intron. Not counted in ClinVar's aggregate classification.

Dr. Peter K. Rogan Lab, Western University
No classification provided (evidence only). Condition: Gastric cancer. Review status: no classification provided. Collection method: in vitro. Allele origin: not applicable. Functional consequence: retained intron. Not counted in ClinVar's aggregate classification.

Dr. Peter K. Rogan Lab, Western University
No classification provided (evidence only). Condition: Gastric cancer. Review status: no classification provided. Collection method: in vitro. Allele origin: not applicable. Functional consequence: retained intron. Not counted in ClinVar's aggregate classification.

Dr. Peter K. Rogan Lab, Western University
No classification provided (evidence only). Condition: Adrenocortical carcinoma, hereditary. Review status: no classification provided. Collection method: in vitro. Allele origin: not applicable. Functional consequence: retained intron. Not counted in ClinVar's aggregate classification.

Dr. Peter K. Rogan Lab, Western University
No classification provided (evidence only). Condition: Malignant tumor of esophagus. Review status: no classification provided. Collection method: in vitro. Allele origin: not applicable. Functional consequence: retained intron. Not counted in ClinVar's aggregate classification.

Literature cited by the submitters: PubMed 20798128 (cited by Mayo Clinic Laboratories, Mayo Clinic); PubMed 22791290 (cited by Mayo Clinic Laboratories, Mayo Clinic); PubMed 25086802 (cited by Mayo Clinic Laboratories, Mayo Clinic); PubMed 31513353 (cited by Mayo Clinic Laboratories, Mayo Clinic).